The following is an entry in ClinVar:

NM_001367561.1(DOCK7):c.2105C>T (p.Ser702Phe)

Gene: DOCK7 (dedicator of cytokinesis 7; minus strand). Cytogenetic location: 1p31.3.
Variant type: single nucleotide variant.
Coding change: c.2105C>T on transcript NM_001367561.1 (MANE Select); coding-DNA position 2105, C replaced by T.
Protein change: p.Ser702Phe; replaces serine 702 with phenylalanine.
Molecular consequence: missense variant.
Genome position (GRCh38, 1-based): chr1:62,577,269, G>A on the plus strand (C>T on the coding strand, the complement: DOCK7 is on the minus strand). VCF-style: chr1-62577269-G-A. GRCh37 (hg19) VCF-style: chr1-63042940-G-A.
Other names: c.2105C>T, p.Ser702Phe (NM_001271999.2, NM_001272000.2, NM_001272001.2 and 2 more transcripts); short protein forms S702F.
Identifiers: ClinVar variation 3651077 (VCV003651077.2).

ClinVar aggregate classification (germline): Uncertain significance (1 of 4 stars; one submission).

Conditions:
Developmental and epileptic encephalopathy, 23 (DEE23). Also called: Epileptic encephalopathy, early infantile, 23. Identifiers: Orphanet 411986, MedGen C4014492, MONDO:0014371, OMIM 615859.

gnomAD v4.1: 1 of 1,529,410 alleles (0.000065%); highest among the groups gnomAD compares: Non-Finnish European, 0.000089%; no homozygotes.

Submission:

Labcorp Genetics (formerly Invitae), Labcorp
Classification: Uncertain significance for Developmental and epileptic encephalopathy, 23. Last evaluated: 2024-07-05. Review status: criteria provided, single submitter. Criteria: Invitae Variant Classification Sherloc (09022015). Collection method: clinical testing. Allele origin: germline.
Comment: This sequence change replaces serine, which is neutral and polar, with phenylalanine, which is neutral and non-polar, at codon 702 of the DOCK7 protein (p.Ser702Phe). This variant is not present in population databases (gnomAD no frequency). This variant has not been reported in the literature in individuals affected with DOCK7-related conditions. Advanced modeling of protein sequence and biophysical properties (such as structural, functional, and spatial information, amino acid conservation, physicochemical variation, residue mobility, and thermodynamic stability) performed at Invitae indicates that this missense variant is not expected to disrupt DOCK7 protein function with a negative predictive value of 80%. In summary, the available evidence is currently insufficient to determine the role of this variant in disease. Therefore, it has been classified as a Variant of Uncertain Significance.